The following is an entry in ClinVar:

NM_080605.4(B3GALT6):c.549G>A (p.Trp183Ter)

Gene: B3GALT6 (beta-1,3-galactosyltransferase 6; plus strand). Cytogenetic location: 1p36.33.
Variant type: single nucleotide variant.
Coding change: c.549G>A on transcript NM_080605.4 (MANE Select); coding-DNA position 549, G replaced by A.
Protein change: p.Trp183Ter; replaces tryptophan 183 with a stop codon.
Molecular consequence: nonsense.
Genome position (GRCh38, 1-based): chr1:1,232,827, G>A. VCF-style: chr1-1232827-G-A. GRCh37 (hg19) VCF-style: chr1-1168207-G-A.
Other names: short protein forms W183*.
Identifiers: ClinVar variation 1051995 (VCV001051995.10), dbSNP rs760986725, ClinGen allele CA513380.

ClinVar aggregate classification (germline): Uncertain significance (1 of 4 stars; one submission).

Conditions:
Ehlers-Danlos syndrome, spondylodysplastic type, 2 (EDSSPD2). Also called: Ehlers-Danlos syndrome, progeroid type, 2. Identifiers: Orphanet 536467, Orphanet 75496, MedGen C3809210, MONDO:0014139, OMIM 615349.
Spondyloepimetaphyseal dysplasia with joint laxity (SEMDJL). Identifiers: MedGen C0432243, MONDO:0019675.

Allele frequency attached by ClinVar (database versions not stated): gnomAD exomes below 0.00001; gnomAD 0.00001; TOPMed 0.00001.

Submission:

Labcorp Genetics (formerly Invitae), Labcorp
Classification: Uncertain significance for Ehlers-Danlos syndrome, spondylodysplastic type, 2; Spondyloepimetaphyseal dysplasia with joint laxity. Last evaluated: 2022-01-11. Review status: criteria provided, single submitter. Criteria: Invitae Variant Classification Sherloc (09022015). Collection method: clinical testing. Allele origin: germline.
Comment: This sequence change creates a premature translational stop signal (p.Trp183*) in the B3GALT6 gene. While this is not anticipated to result in nonsense mediated decay, it is expected to disrupt the last 147 amino acid(s) of the B3GALT6 protein. This variant is not present in population databases (gnomAD no frequency). In summary, the available evidence is currently insufficient to determine the role of this variant in disease. Therefore, it has been classified as a Variant of Uncertain Significance. Experimental studies and prediction algorithms are not available or were not evaluated, and the functional significance of this variant is currently unknown. ClinVar contains an entry for this variant (Variation ID: 1051995). This variant has not been reported in the literature in individuals affected with B3GALT6-related conditions.